The following is an entry in ClinVar:

NM_000232.5(SGCB):c.859del (p.Leu287fs)

Gene: SGCB (sarcoglycan beta; minus strand). Cytogenetic location: 4q12.
Variant type: Deletion.
Coding change: c.859del on transcript NM_000232.5 (MANE Select); coding-DNA position 859, one base deleted (C; older notation c.859delC).
Protein change: p.Leu287fs; shifts the reading frame from leucine 287.
Molecular consequence: frameshift variant.
Genome position (GRCh38, 1-based): chr4:52,024,055, G deleted on the plus strand (C on the coding strand, the reverse complement: SGCB is on the minus strand). VCF-style (leftmost placement, unchanged base first): chr4-52024054-AG-A. GRCh37 (hg19) VCF-style: chr4-52890220-AG-A.
Other names: c.859delC (NM_000232.4); short protein forms L287fs.
Identifiers: ClinVar variation 534946 (VCV000534946.8), dbSNP rs1553939675, ClinGen allele CA658796428.

ClinVar aggregate classification (germline): Pathogenic/Likely pathogenic. Review status: criteria provided, multiple submitters, no conflicts (2 of 4 stars). 2 submissions from 2 submitters: Pathogenic (1); Likely pathogenic (1). Last evaluated 2025-12-11.

Conditions:
Autosomal recessive limb-girdle muscular dystrophy type 2E (LGMDR4). Also called: MUSCULAR DYSTROPHY, LIMB-GIRDLE, AUTOSOMAL RECESSIVE 4. Identifiers: Orphanet 119, MedGen C1858593, MONDO:0011423, OMIM 604286. Disease mechanism: Affects gamma-sarcoglycan and also disrupts the integrity of the entire sarcoglycan complex..

Submissions (2):

3billion
Classification: Likely pathogenic for Autosomal recessive limb-girdle muscular dystrophy type 2E. Last evaluated: 2025-12-11. Review status: criteria provided, single submitter. Criteria: ACMG Guidelines, 2015. Collection method: clinical testing. Allele origin: germline. Affected: yes.
Comment: The variant is not observed in the gnomAD v4.1.0 dataset. Predicted Consequence/Location: Frameshift: predicted to result in a loss or disruption of normal protein function through protein truncation. The predicted truncated protein may be shortened by more than 10%. The variant has been reported to be associated with SGCB-related disorder (ClinVar ID: VCV000534946). Therefore, this variant is classified as Likely pathogenic according to the recommendation of ACMG/AMP guideline.

Labcorp Genetics (formerly Invitae), Labcorp
Classification: Pathogenic for Autosomal recessive limb-girdle muscular dystrophy type 2E. Last evaluated: 2024-11-11. Review status: criteria provided, single submitter. Criteria: Invitae Variant Classification Sherloc (09022015). Collection method: clinical testing. Allele origin: germline.
Comment: This sequence change creates a premature translational stop signal (p.Leu287Serfs*14) in the SGCB gene. While this is not anticipated to result in nonsense mediated decay, it is expected to disrupt the last 32 amino acid(s) of the SGCB protein. This variant is not present in population databases (gnomAD no frequency). This premature translational stop signal has been observed in individual(s) with clinical features of SGCB-related conditions (PMID: 34624274, 35533453). ClinVar contains an entry for this variant (Variation ID: 534946). Studies have shown that this premature translational stop signal alters SGCB gene expression (PMID: 34624274). Algorithms developed to predict the effect of sequence changes on RNA splicing suggest that this variant may disrupt the consensus splice site. For these reasons, this variant has been classified as Pathogenic.

Literature cited by the submitters: PubMed 34624274 (cited by Labcorp Genetics (formerly Invitae), Labcorp); PubMed 35533453 (cited by Labcorp Genetics (formerly Invitae), Labcorp).